The following is an entry in ClinVar:

NM_000059.4(BRCA2):c.6267_6274del (p.Glu2089fs)

Gene: BRCA2 (BRCA2 DNA repair associated; plus strand). Cytogenetic location: 13q13.1.
Variant type: Deletion.
Coding change: c.6267_6274del on transcript NM_000059.4 (MANE Select); coding-DNA positions 6267 to 6274, 8 bases deleted (GCATAGTC; older notation c.6267_6274delGCATAGTC).
Protein change: p.Glu2089fs; shifts the reading frame from glutamic acid 2089.
Molecular consequence: frameshift variant.
Genome position (GRCh38, 1-based): chr13:32,340,622-32,340,629, GCATAGTC deleted. VCF-style (leftmost placement, unchanged base first): chr13-32340621-AGCATAGTC-A. GRCh37 (hg19) VCF-style: chr13-32914758-AGCATAGTC-A.
Other names: c.6267_6274delGCATAGTC (NM_000059.3); short protein forms E2089fs.
Identifiers: ClinVar variation 230167 (VCV000230167.5), dbSNP rs876658425, ClinGen allele CA10579686.
Genomic context (GRCh38, chr13:32,340,621, plus strand): 5'-TAGAAAGTTCCTTACACAAAGTTAAGGGAGTGTTAGAGGAATTTGATTTAATCAGAACTG[AGCATAGTC>A]TTCACTATTCACCTACGTCTAGACAAAATGTATCAAAAATACTTCCTCGTGTTGATAAGA-3'

ClinVar aggregate classification (germline): Pathogenic. Review status: reviewed by expert panel (3 of 4 stars). 2 submissions from 2 submitters: Pathogenic (1). 1 of the submissions does not count toward it. Last evaluated 2017-12-15.

Conditions:
Hereditary cancer-predisposing syndrome. Also called: Hereditary Cancer Syndrome; Neoplastic Syndromes, Hereditary; Tumor predisposition; Hereditary neoplastic syndrome. Identifiers: Orphanet 140162, MedGen C0027672, MeSH D009386, MONDO:0015356.
Breast-ovarian cancer, familial, susceptibility to, 2 (BROVCA2). Also called: BRCA2 Hereditary Breast and Ovarian Cancer. Identifiers: Orphanet 145, MedGen C2675520, MONDO:0012933, OMIM 612555. Disease mechanism: loss of function.

Submissions (2):

Evidence-based Network for the Interpretation of Germline Mutant Alleles (ENIGMA)
Classification: Pathogenic for Breast-ovarian cancer, familial, susceptibility to, 2. Last evaluated: 2017-12-15. Review status: reviewed by expert panel. Criteria: ENIGMA BRCA1/2 Classification Criteria (2017-06-29). Collection method: curation. Allele origin: germline. Study: ENIGMA.
Comment: Variant allele predicted to encode a truncated non-functional protein.

Ambry Genetics
Classification: Pathogenic for Hereditary cancer-predisposing syndrome. Last evaluated: 2015-01-19. Review status: criteria provided, single submitter. Criteria: Ambry Variant Classification Scheme 2023. Collection method: clinical testing. Allele origin: germline. Not counted in ClinVar's aggregate classification.
Comment: The c.6267_6274delGCATAGTC pathogenic mutation (also known as 6495del8), located in coding exon 10 of the BRCA2 gene, results from a deletion of 8 nucleotides between positions 6267 and 6274 causing a translational frameshift with a predicted alternate stop codon. Since frameshifts are typically deleterious in nature, this alteration is interpreted as a disease-causing mutation (ACMG Recommendations for Standards for Interpretation and Reporting of Sequence Variations. Revision 2007. Genet Med. 2008;10:294).